The following is an entry in ClinVar:

ClinVar aggregate classification (germline): Uncertain significance. Review status: criteria provided, multiple submitters, no conflicts (2 of 4 stars). 3 submissions from 3 submitters: Uncertain significance (3). Last evaluated 2025-05-23.

Conditions:
Dilated cardiomyopathy 1JJ (CMD1JJ). Identifiers: Orphanet 154, MedGen C3808935, MONDO:0014095, OMIM 615235.
Cardiovascular phenotype. Identifiers: MedGen CN230736.

Allele frequency attached by ClinVar (database versions not stated): gnomAD exomes 0.00001; TOPMed 0.00002; ExAC 0.00001; gnomAD 0.00001.

Submissions (3):

GeneDx
Classification: Uncertain significance. Last evaluated: 2025-05-23. Review status: criteria provided, single submitter. Criteria: GeneDx Variant Classification Process June 2021. Collection method: clinical testing. Allele origin: germline. Affected: yes.
Comment: Not observed at significant frequency in large population cohorts (gnomAD); In silico analysis suggests that this missense variant does not alter protein structure/function; Has not been previously published as pathogenic or benign to our knowledge

Ambry Genetics
Classification: Uncertain significance for Cardiovascular phenotype. Last evaluated: 2024-08-28. Review status: criteria provided, single submitter. Criteria: Ambry Variant Classification Scheme 2023. Collection method: clinical testing. Allele origin: germline.
Comment: The p.S841L variant (also known as c.2522C>T), located in coding exon 19 of the LAMA4 gene, results from a C to T substitution at nucleotide position 2522. The serine at codon 841 is replaced by leucine, an amino acid with dissimilar properties. This amino acid position is conserved. In addition, this alteration is predicted to be tolerated by in silico analysis. Since supporting evidence is limited at this time, the clinical significance of this alteration remains unclear.

Labcorp Genetics (formerly Invitae), Labcorp
Classification: Uncertain significance for Dilated cardiomyopathy 1JJ. Last evaluated: 2024-07-10. Review status: criteria provided, single submitter. Criteria: Invitae Variant Classification Sherloc (09022015). Collection method: clinical testing. Allele origin: germline.
Comment: This sequence change replaces serine, which is neutral and polar, with leucine, which is neutral and non-polar, at codon 841 of the LAMA4 protein (p.Ser841Leu). This variant is present in population databases (rs782005555, gnomAD 0.008%). This variant has not been reported in the literature in individuals affected with LAMA4-related conditions. ClinVar contains an entry for this variant (Variation ID: 1461657). An algorithm developed to predict the effect of missense changes on protein structure and function (PolyPhen-2) suggests that this variant is likely to be tolerated. In summary, the available evidence is currently insufficient to determine the role of this variant in disease. Therefore, it has been classified as a Variant of Uncertain Significance.

NM_001105206.3(LAMA4):c.2543C>T (p.Ser848Leu)

Gene: LAMA4 (laminin subunit alpha 4; minus strand). Cytogenetic location: 6q21.
Variant type: single nucleotide variant.
Coding change: c.2543C>T on transcript NM_001105206.3 (MANE Select); coding-DNA position 2543, C replaced by T.
Protein change: p.Ser848Leu; replaces serine 848 with leucine.
Molecular consequence: missense variant.
Genome position (GRCh38, 1-based): chr6:112,142,243, G>A on the plus strand (C>T on the coding strand, the complement: LAMA4 is on the minus strand). VCF-style: chr6-112142243-G-A. GRCh37 (hg19) VCF-style: chr6-112463445-G-A.
Other names: c.2522C>T, p.Ser841Leu (NM_001105207.3, NM_002290.5); short protein forms S848L, S841L.
Identifiers: ClinVar variation 1461657 (VCV001461657.10), dbSNP rs782005555, ClinGen allele CA3965446.